The following is an entry in ClinVar:

ClinVar aggregate classification (germline): Pathogenic. Review status: criteria provided, multiple submitters, no conflicts (2 of 4 stars). 3 submissions from 3 submitters: Pathogenic (3). Last evaluated 2021-07-15.

Conditions:
Cornelia de Lange syndrome 1 (CDLS1). Also called: NIPBL-Related Cornelia de Lange Syndrome; Brachmann de Lange syndrome; TYPUS DEGENERATIVUS AMSTELODAMENSIS. Identifiers: Orphanet 199, MedGen C4551851, MONDO:0007387, OMIM 122470.

Submissions (3):

Genome-Nilou Lab
Classification: Pathogenic for Cornelia de Lange syndrome 1. Last evaluated: 2021-07-15. Review status: criteria provided, single submitter. Criteria: ACMG Guidelines, 2015. Collection method: clinical testing. Allele origin: germline. Affected: no.

Labcorp Genetics (formerly Invitae), Labcorp
Classification: Pathogenic for Cornelia de Lange syndrome 1. Last evaluated: 2019-11-18. Review status: criteria provided, single submitter. Criteria: Invitae Variant Classification Sherloc (09022015). Collection method: clinical testing. Allele origin: germline.
Comment: This sequence change creates a premature translational stop signal (p.Phe1596*) in the NIPBL gene. It is expected to result in an absent or disrupted protein product. This variant is not present in population databases (ExAC no frequency). This variant has not been reported in the literature in individuals with NIPBL-related conditions. ClinVar contains an entry for this variant (Variation ID: 280642). Loss-of-function variants in NIPBL are known to be pathogenic (PMID: 15318302, 19763162, 23505322, 29995837). For these reasons, this variant has been classified as Pathogenic.

GeneDx
Classification: Pathogenic. Last evaluated: 2016-05-26. Review status: criteria provided, single submitter. Criteria: GeneDx Variant Classification (06012015). Collection method: clinical testing. Allele origin: germline. Affected: yes.
Comment: The F1596X variant in the NIPBL gene has not been reported previously as a pathogenic variant nor as a benign variant, to our knowledge. The F1596X variant is predicted to cause loss of normal protein function either through protein truncation or nonsense-mediated mRNA decay. The F1596X variant was not observed in approximately 6500 individuals of European and African American ancestry in the NHLBI Exome Sequencing Project, indicating it is not a common benign variant in these populations. We interpret F1596X as a pathogenic variant.

Literature cited by the submitters: PubMed 15318302 (cited by Labcorp Genetics (formerly Invitae), Labcorp); PubMed 19763162 (cited by Labcorp Genetics (formerly Invitae), Labcorp); PubMed 23505322 (cited by Labcorp Genetics (formerly Invitae), Labcorp); PubMed 29995837 (cited by Labcorp Genetics (formerly Invitae), Labcorp).

NM_133433.4(NIPBL):c.4787_4791del (p.Gln1595_Phe1596insTer)

Gene: NIPBL (NIPBL cohesin loading factor; plus strand). Cytogenetic location: 5p13.2.
Variant type: Microsatellite.
Coding change: c.4787_4791del on transcript NM_133433.4 (MANE Select); coding-DNA positions 4787 to 4791, 5 bases deleted (TCAGT; older notation c.4787_4791delTCAGT).
Protein change: p.Gln1595_Phe1596insTer.
Molecular consequence: nonsense.
Genome position (GRCh38, 1-based): chr5:37,017,029-37,017,033, TCAGT deleted; deleting any 5 consecutive bases within chr5:37,017,024-37,017,033 gives the same sequence; the c. name uses the placement nearest the transcript's 3' end. VCF-style (leftmost placement, unchanged base first): chr5-37017023-ATCAGT-A. GRCh37 (hg19) VCF-style: chr5-37017125-ATCAGT-A.
Other names: c.4787_4791del (NM_133433.3); c.4787_4791del, p.Gln1595_Phe1596insTer (NM_015384.5).
Identifiers: ClinVar variation 280642 (VCV000280642.11), dbSNP rs886041810, ClinGen allele CA10602941.